The following is an entry in ClinVar:

NM_001355436.2(SPTB):c.6070T>A (p.Trp2024Arg)

Gene: SPTB (spectrin beta, erythrocytic; minus strand). Cytogenetic location: 14q23.3.
Variant type: single nucleotide variant.
Coding change: c.6070T>A on transcript NM_001355436.2 (MANE Select); coding-DNA position 6070, T replaced by A.
Protein change: p.Trp2024Arg; replaces tryptophan 2024 with arginine.
Molecular consequence: missense variant.
Genome position (GRCh38, 1-based): chr14:64,767,812, A>T on the plus strand (T>A on the coding strand, the complement: SPTB is on the minus strand). VCF-style: chr14-64767812-A-T. GRCh37 (hg19) VCF-style: chr14-65234530-A-T.
Other names: c.6070T>A, p.Trp2024Arg (NM_001024858.4, NM_001355437.2); short protein forms W2024R.
Identifiers: ClinVar variation 1163365 (VCV001163365.6), dbSNP rs1225539653, ClinGen allele CA390039499.

ClinVar aggregate classification (germline): Conflicting classifications of pathogenicity. Review status: criteria provided, conflicting classifications (1 of 4 stars). 2 submissions from 2 submitters: Likely pathogenic (1); Uncertain significance (1). Last evaluated 2025-07-02.

Allele frequency attached by ClinVar (database versions not stated): gnomAD 0.00001.
gnomAD v4.1: 1 of 1,613,918 alleles (0.000062%); highest among the groups gnomAD compares: Admixed American, 0.0017%; no homozygotes.

Submissions (2):

Labcorp Genetics (formerly Invitae), Labcorp
Classification: Uncertain significance. Last evaluated: 2025-07-02. Review status: criteria provided, single submitter. Criteria: Invitae Variant Classification Sherloc (09022015). Collection method: clinical testing. Allele origin: germline.
Comment: This sequence change replaces tryptophan, which is neutral and slightly polar, with arginine, which is basic and polar, at codon 2024 of the SPTB protein (p.Trp2024Arg). This variant is present in population databases (no rsID available, gnomAD 0.007%). This missense change has been observed in individual(s) with elliptocytosis and/or hereditary pyropoikilocytosis (PMID: 8018926, 27667160). ClinVar contains an entry for this variant (Variation ID: 1163365). An algorithm developed to predict the effect of missense changes on protein structure and function (PolyPhen-2) suggests that this variant is likely to be disruptive. Experimental studies have shown that this missense change affects SPTB function (PMID: 9576854). In summary, the available evidence is currently insufficient to determine the role of this variant in disease. Therefore, it has been classified as a Variant of Uncertain Significance.

Mayo Clinic Laboratories, Mayo Clinic
Classification: Likely pathogenic. Last evaluated: 2021-02-01. Review status: criteria provided, single submitter. Criteria: ACMG Guidelines, 2015. Collection method: clinical testing. Allele origin: germline. Observed: 1 variant allele.
Comment: PM1, PM2, PP1, PP3

Literature cited by the submitters: PubMed 8018926 (cited by Labcorp Genetics (formerly Invitae), Labcorp and Mayo Clinic Laboratories, Mayo Clinic); PubMed 27667160 (cited by Labcorp Genetics (formerly Invitae), Labcorp and Mayo Clinic Laboratories, Mayo Clinic); PubMed 9576854 (cited by Labcorp Genetics (formerly Invitae), Labcorp and Mayo Clinic Laboratories, Mayo Clinic); PubMed 26830532 (cited by Mayo Clinic Laboratories, Mayo Clinic).